The following is an entry in ClinVar:

ClinVar aggregate classification (germline): Likely pathogenic (1 of 4 stars; one submission).

Conditions:
ATP8B1-related disorder. Also called: ATP8B1-related disorders; ATP8B1-related condition.

gnomAD v4.1: 1 of 1,614,236 alleles (0.000062%); highest among the groups gnomAD compares: Non-Finnish European, 0.000085%; no homozygotes.

Submission:

PreventionGenetics, part of Exact Sciences
Classification: Likely pathogenic for ATP8B1-related condition. Last evaluated: 2025-09-20. Review status: criteria provided, single submitter. Criteria: ACMG Guidelines, 2015. Collection method: clinical testing. Allele origin: germline.
Comment: The ATP8B1 c.2782C>T variant is predicted to result in premature protein termination (p.Gln928*). To our knowledge, this variant has not been reported in the literature. This variant is reported in 0.00088% of alleles in individuals of European (Non-Finnish) descent in gnomAD. Nonsense variants in ATP8B1 are expected to be pathogenic. This variant is interpreted as likely pathogenic.

NM_001374385.1(ATP8B1):c.2782C>T (p.Gln928Ter)

Genes: ATP8B1 (ATPase phospholipid transporting 8B1; minus strand), ATP8B1-AS1 (ATP8B1 antisense RNA 1; plus strand). Cytogenetic location: 18q21.31.
Variant type: single nucleotide variant.
Coding change: c.2782C>T on transcript NM_001374385.1 (MANE Select); coding-DNA position 2782, C replaced by T.
Protein change: p.Gln928Ter; replaces glutamine 928 with a stop codon.
Molecular consequence: nonsense.
Genome position (GRCh38, 1-based): chr18:57,655,343, G>A on the plus strand (C>T on the coding strand, the complement: ATP8B1 is on the minus strand). VCF-style: chr18-57655343-G-A. GRCh37 (hg19) VCF-style: chr18-55322575-G-A.
Other names: c.2632C>T, p.Gln878Ter (NM_001374386.1); c.2782C>T, p.Gln928Ter (NM_005603.6); short protein forms Q878*, Q928*.
Identifiers: ClinVar variation 4993783 (VCV004993783.1).